The following is an entry in ClinVar:

NM_031935.3(HMCN1):c.13087C>G (p.Leu4363Val)

Gene: HMCN1 (hemicentin 1; plus strand). Cytogenetic location: 1q31.1.
Variant type: single nucleotide variant.
Coding change: c.13087C>G on transcript NM_031935.3 (MANE Select); coding-DNA position 13087, C replaced by G.
Protein change: p.Leu4363Val; replaces leucine 4363 with valine.
Molecular consequence: missense variant.
Genome position (GRCh38, 1-based): chr1:186,130,554, C>G. VCF-style: chr1-186130554-C-G. GRCh37 (hg19) VCF-style: chr1-186099686-C-G.
Other names: short protein forms L4363V.
Identifiers: ClinVar variation 2115322 (VCV002115322.4), dbSNP rs2528068897, ClinGen allele CA343908074.

ClinVar aggregate classification (germline): Uncertain significance (1 of 4 stars; one submission).

Allele frequency attached by ClinVar (database versions not stated): gnomAD exomes below 0.00001.
gnomAD v4.1: 2 of 1,613,576 alleles (0.00012%); highest among the groups gnomAD compares: South Asian, 0.0011%; no homozygotes.

Submission:

Labcorp Genetics (formerly Invitae), Labcorp
Classification: Uncertain significance. Last evaluated: 2024-10-26. Review status: criteria provided, single submitter. Criteria: Invitae Variant Classification Sherloc (09022015). Collection method: clinical testing. Allele origin: germline.
Comment: This sequence change replaces leucine, which is neutral and non-polar, with valine, which is neutral and non-polar, at codon 4363 of the HMCN1 protein (p.Leu4363Val). This variant is not present in population databases (gnomAD no frequency). This variant has not been reported in the literature in individuals affected with HMCN1-related conditions. ClinVar contains an entry for this variant (Variation ID: 2115322). An algorithm developed to predict the effect of missense changes on protein structure and function (PolyPhen-2) suggests that this variant is likely to be disruptive. In summary, the available evidence is currently insufficient to determine the role of this variant in disease. Therefore, it has been classified as a Variant of Uncertain Significance.